The following is an entry in ClinVar:

NC_000007.13:g.(?_55259402)_(55274084_?)dup

Gene: EGFR (epidermal growth factor receptor; plus strand). Cytogenetic location: 7p11.2.
Variant type: Duplication.
Identifiers: ClinVar variation 1056194 (VCV001056194.3).

ClinVar aggregate classification (germline): Uncertain significance (1 of 4 stars; one submission).

Conditions:
EGFR-related lung cancer (EGFR). Identifiers: MedGen CN130014.

Submission:

Labcorp Genetics (formerly Invitae), Labcorp
Classification: Uncertain significance for EGFR-related lung cancer. Last evaluated: 2023-08-18. Review status: criteria provided, single submitter. Criteria: Invitae Variant Classification Sherloc (09022015). Collection method: clinical testing. Allele origin: germline.
Comment: This variant results in a copy number gain of the genomic region encompassing exon(s) 21-28 of the EGFR gene. This region includes the termination codon of the gene. This copy number gain extends beyond the assayed region for this gene and therefore may encompass additional genes. As the precise location of this event is unknown, it may be in tandem or it may be located elsewhere in the genome. This variant has not been reported in the literature in individuals affected with EGFR-related conditions. Experimental studies and prediction algorithms are not available or were not evaluated, and the functional significance of this variant is currently unknown. In summary, the available evidence is currently insufficient to determine the role of this variant in disease. Therefore, it has been classified as a Variant of Uncertain Significance.